The following is an entry in ClinVar:

ClinVar aggregate classification (germline): Likely pathogenic (1 of 4 stars; one submission).

Conditions:
Abetalipoproteinaemia (ABL). Also called: Abetalipoproteinemia; Abetalipoproteinemia neuropathy; Apolipoprotein B deficiency; Congenital betalipoprotein deficiency syndrome; MTP DEFICIENCY. Identifiers: Orphanet 14, MedGen C0000744, MONDO:0008692, OMIM 200100, HP:0008181.

gnomAD v4.1: 9 of 1,600,564 alleles (0.00056%); highest among the groups gnomAD compares: Non-Finnish European, 0.00077%; no homozygotes.

Submission:

Victorian Clinical Genetics Services, Murdoch Childrens Research Institute
Classification: Likely pathogenic for Abetalipoproteinaemia. Last evaluated: 2024-10-09. Review status: criteria provided, single submitter. Criteria: ACMG Guidelines, 2015. Collection method: clinical testing. Allele origin: germline. Inheritance: Autosomal recessive inheritance. Affected: yes.
Comment: Based on the classification scheme VCGS_Germline_v1.3.4, this variant is classified as Likely Pathogenic. Following criteria are met: 0102 - Loss of function is a known mechanism of disease in this gene and is associated with abetalipoproteinaemia (MIM#200100). (I) 0106 - This gene is associated with autosomal recessive disease. (I) 0115 - Variants in this gene are known to have variable expressivity. Mild cases of of abetalipoproteinaemia have been reported (PMID: 17132287, 16143868). (I) 0211 - Canonical splice site variant without proven consequence on splicing (no functional evidence available). (SP) 0251 - This variant is heterozygous. (I) 0301 - Variant is absent from gnomAD (both v2 and v3). (SP) 0505 - Abnormal splicing is predicted by in silico tools and affected nucleotide is highly conserved. (SP) 0704 - Another canonical splice variant comparable to the one identified in this case has limited previous evidence for pathogenicity. c.1344+2T>C has been reported as likely pathogenic in two unrelated individuals by a clinical laboratory (ClinVar). (SP) 0807 - This variant has no previous evidence of pathogenicity. (I) 0905 - No published segregation evidence has been identified for this variant. (I) 1007 - No published functional evidence has been identified for this variant. (I) 1102 - Strong phenotype match for this individual. (I) Legend: (SP) - Supporting pathogenic, (I) - Information, (SB) - Supporting benign

Literature cited by the submitters: PubMed 16143868; PubMed 17132287.

NM_001386140.1(MTTP):c.1344+2T>A

Gene: MTTP (microsomal triglyceride transfer protein; plus strand). Cytogenetic location: 4q23.
Variant type: single nucleotide variant.
Coding change: c.1344+2T>A on transcript NM_001386140.1 (MANE Select); the canonical splice donor site of the intron after coding-DNA position 1344, T replaced by A.
Molecular consequence: splice donor variant.
Genome position (GRCh38, 1-based): chr4:99,601,716, T>A. VCF-style: chr4-99601716-T-A. GRCh37 (hg19) VCF-style: chr4-100522873-T-A.
Other names: c.1344+2T>A (NM_000253.4); c.1095+2T>A (NM_001300785.2).
Identifiers: ClinVar variation 3377112 (VCV003377112.1).